The following is an entry in ClinVar:

ClinVar aggregate classification (germline): Uncertain significance (1 of 4 stars; one submission).

Submission:

Labcorp Genetics (formerly Invitae), Labcorp
Classification: Uncertain significance. Last evaluated: 2022-04-06. Review status: criteria provided, single submitter. Criteria: Invitae Variant Classification Sherloc (09022015). Collection method: clinical testing. Allele origin: germline.
Comment: This sequence change creates a premature translational stop signal (p.Asp125Metfs*34) in the TMEM240 gene. While this is not anticipated to result in nonsense mediated decay, it is expected to disrupt the last 49 amino acid(s) of the TMEM240 protein. In summary, the available evidence is currently insufficient to determine the role of this variant in disease. Therefore, it has been classified as a Variant of Uncertain Significance. Algorithms developed to predict the effect of sequence changes on RNA splicing suggest that this variant may disrupt the consensus splice site. This variant has not been reported in the literature in individuals affected with TMEM240-related conditions. This variant is not present in population databases (gnomAD no frequency).

NM_001114748.2(TMEM240):c.373+1del

Gene: TMEM240 (transmembrane protein 240; minus strand). Cytogenetic location: 1p36.33.
Variant type: Deletion.
Coding change: c.373+1del on transcript NM_001114748.2 (MANE Select); the canonical splice donor site of the intron after coding-DNA position 373, one base deleted (G; older notation c.373+1delG).
Molecular consequence: splice donor variant.
Genome position (GRCh38, 1-based): chr1:1,535,588, C deleted on the plus strand (G on the coding strand, the reverse complement: TMEM240 is on the minus strand); the first of 2 consecutive C bases (chr1:1,535,588-1,535,589); deleting either gives the same sequence. VCF-style (leftmost placement, unchanged base first): chr1-1535587-AC-A. GRCh37 (hg19) VCF-style: chr1-1470967-AC-A.
Identifiers: ClinVar variation 2122308 (VCV002122308.4), dbSNP rs2520954780, ClinGen allele CA2580060515.